The following is an entry in ClinVar:

ClinVar aggregate classification (germline): Uncertain significance (1 of 4 stars; one submission).

Conditions:
Metachromatic leukodystrophy (MLD). Also called: ARSA DEFICIENCY; Cerebral sclerosis diffuse metachromatic form; SULFATIDE LIPIDOSIS; METACHROMATIC LEUKOENCEPHALOPATHY; Arylsulfatase A Deficiency; CEREBROSIDE SULFATASE DEFICIENCY. Identifiers: Orphanet 512, MedGen C0023522, MONDO:0018868, OMIM 250100.

Allele frequency attached by ClinVar (database versions not stated): gnomAD 0.00001.

Submission:

Labcorp Genetics (formerly Invitae), Labcorp
Classification: Uncertain significance for Metachromatic leukodystrophy. Last evaluated: 2021-08-31. Review status: criteria provided, single submitter. Criteria: Invitae Variant Classification Sherloc (09022015). Collection method: clinical testing. Allele origin: germline.
Comment: This sequence change replaces glycine with alanine at codon 81 of the ARSA protein (p.Gly81Ala). The glycine residue is highly conserved and there is a small physicochemical difference between glycine and alanine. This variant is not present in population databases (ExAC no frequency). This variant has not been reported in the literature in individuals affected with ARSA-related conditions. Advanced modeling of protein sequence and biophysical properties (such as structural, functional, and spatial information, amino acid conservation, physicochemical variation, residue mobility, and thermodynamic stability) performed at Invitae indicates that this missense variant is expected to disrupt ARSA protein function. In summary, the available evidence is currently insufficient to determine the role of this variant in disease. Therefore, it has been classified as a Variant of Uncertain Significance.

NM_000487.6(ARSA):c.242G>C (p.Gly81Ala)

Gene: ARSA (arylsulfatase A; minus strand). Cytogenetic location: 22q13.33.
Variant type: single nucleotide variant.
Coding change: c.242G>C on transcript NM_000487.6 (MANE Select); coding-DNA position 242, G replaced by C.
Protein change: p.Gly81Ala; replaces glycine 81 with alanine.
Molecular consequence: missense variant. On other transcripts: 5 prime UTR variant (2).
Genome position (GRCh38, 1-based): chr22:50,627,389, C>G on the plus strand (G>C on the coding strand, the complement: ARSA is on the minus strand). VCF-style: chr22-50627389-C-G. GRCh37 (hg19) VCF-style: chr22-51065817-C-G.
Other names: c.242G>C, p.Gly81Ala (NM_001085425.3, NM_001085426.3, NM_001085427.3); c.-17G>C (NM_001085428.3, NM_001362782.2); short protein forms G81A.
Identifiers: ClinVar variation 1347731 (VCV001347731.5), dbSNP rs1389990700, ClinGen allele CA412181888.
Genomic context (GRCh38, chr22:50,627,389, plus strand): 5'-CCCCCCCGGGAGCTGGGCACCAGGACGCCAGGGTACATGCCCATCCGAACCGGGAGCCGG[C>G]CGGTCAGGAGGGCGGCCCTGCGGGACAAGTCACAGAGTCCCTGAGACAGACAGAAATGTG-3'
Protein context (NP_000478.3, residues 71-91): CTPSRAALLT[Gly81Ala]RLPVRMGMYP